The following is an entry in ClinVar:

ClinVar aggregate classification (germline): Uncertain significance. Review status: criteria provided, multiple submitters, no conflicts (2 of 4 stars). 2 submissions from 2 submitters: Uncertain significance (2). Last evaluated 2024-04-22.

Conditions:
Baller-Gerold syndrome (BGS). Also called: CRANIOSYNOSTOSIS WITH RADIAL DEFECTS. Identifiers: Orphanet 1225, MedGen C0265308, MONDO:0009039, OMIM 218600.

Allele frequency attached by ClinVar (database versions not stated): gnomAD exomes below 0.00001.
gnomAD v4.1: 1 of 1,612,392 alleles (0.000062%); highest among the groups gnomAD compares: South Asian, 0.0011%; no homozygotes.

Submissions (2):

Labcorp Genetics (formerly Invitae), Labcorp
Classification: Uncertain significance for Baller-Gerold syndrome. Last evaluated: 2024-04-22. Review status: criteria provided, single submitter. Criteria: Invitae Variant Classification Sherloc (09022015). Collection method: clinical testing. Allele origin: germline.
Comment: This sequence change falls in intron 20 of the RECQL4 gene. It does not directly change the encoded amino acid sequence of the RECQL4 protein. It affects a nucleotide within the consensus splice site. This variant is present in population databases (rs758521652, gnomAD 0.003%). This variant has not been reported in the literature in individuals affected with RECQL4-related conditions. ClinVar contains an entry for this variant (Variation ID: 1519028). Variants that disrupt the consensus splice site are a relatively common cause of aberrant splicing (PMID: 17576681, 9536098). Algorithms developed to predict the effect of sequence changes on RNA splicing suggest that this variant may disrupt the consensus splice site. In summary, the available evidence is currently insufficient to determine the role of this variant in disease. Therefore, it has been classified as a Variant of Uncertain Significance.

Blueprint Genetics
Classification: Uncertain significance. Last evaluated: 2023-10-03. Review status: criteria provided, single submitter. Criteria: ACMG Guidelines, 2015. Collection method: clinical testing. Allele origin: germline.

Literature cited by the submitters: PubMed 17576681 (cited by Labcorp Genetics (formerly Invitae), Labcorp); PubMed 9536098 (cited by Labcorp Genetics (formerly Invitae), Labcorp).

NM_004260.4(RECQL4):c.3502+5G>A

Gene: RECQL4 (RecQ like helicase 4; minus strand). Cytogenetic location: 8q24.3.
Variant type: single nucleotide variant.
Coding change: c.3502+5G>A on transcript NM_004260.4 (MANE Select); 5 bases into the intron after coding-DNA position 3502, G replaced by A.
Molecular consequence: intron variant.
Genome position (GRCh38, 1-based): chr8:144,511,676, C>T on the plus strand (G>A on the coding strand, the complement: RECQL4 is on the minus strand). VCF-style: chr8-144511676-C-T. GRCh37 (hg19) VCF-style: chr8-145737059-C-T.
Identifiers: ClinVar variation 1519028 (VCV001519028.7), dbSNP rs758521652, ClinGen allele CA4947708.